The following is an entry in ClinVar:

NM_032520.5(GNPTG):c.290G>A (p.Arg97His)

Gene: GNPTG (N-acetylglucosamine-1-phosphate transferase subunit gamma; plus strand). Cytogenetic location: 16p13.3.
Variant type: single nucleotide variant.
Coding change: c.290G>A on transcript NM_032520.5 (MANE Select); coding-DNA position 290, G replaced by A.
Protein change: p.Arg97His; replaces arginine 97 with histidine.
Molecular consequence: missense variant.
Genome position (GRCh38, 1-based): chr16:1,361,928, G>A. VCF-style: chr16-1361928-G-A. GRCh37 (hg19) VCF-style: chr16-1411929-G-A.
Other names: c.290G>A (NM_032520.4); short protein forms R97H.
Identifiers: ClinVar variation 2156412 (VCV002156412.6), dbSNP rs778481117, ClinGen allele CA7807587.

ClinVar aggregate classification (germline): Uncertain significance. Review status: criteria provided, multiple submitters, no conflicts (2 of 4 stars). 2 submissions from 2 submitters: Uncertain significance (2). Last evaluated 2024-01-19.

Conditions:
Inborn genetic diseases. Identifiers: MedGen C0950123, MeSH D030342.

Submissions (2):

Labcorp Genetics (formerly Invitae), Labcorp
Classification: Uncertain significance. Last evaluated: 2024-01-19. Review status: criteria provided, single submitter. Criteria: Invitae Variant Classification Sherloc (09022015). Collection method: clinical testing. Allele origin: germline.
Comment: This sequence change replaces arginine, which is basic and polar, with histidine, which is basic and polar, at codon 97 of the GNPTG protein (p.Arg97His). This variant is present in population databases (rs778481117, gnomAD 0.01%). This variant has not been reported in the literature in individuals affected with GNPTG-related conditions. ClinVar contains an entry for this variant (Variation ID: 2156412). Advanced modeling of protein sequence and biophysical properties (such as structural, functional, and spatial information, amino acid conservation, physicochemical variation, residue mobility, and thermodynamic stability) performed at Invitae indicates that this missense variant is not expected to disrupt GNPTG protein function with a negative predictive value of 80%. In summary, the available evidence is currently insufficient to determine the role of this variant in disease. Therefore, it has been classified as a Variant of Uncertain Significance.

Ambry Genetics
Classification: Uncertain significance for Inborn genetic diseases. Last evaluated: 2023-02-06. Review status: criteria provided, single submitter. Criteria: Ambry Variant Classification Scheme 2023. Collection method: clinical testing. Allele origin: germline.